The following is an entry in ClinVar:

NM_001378457.1(DMXL2):c.2102G>T (p.Gly701Val)

Gene: DMXL2 (Dmx like 2; minus strand). Cytogenetic location: 15q21.2.
Variant type: single nucleotide variant.
Coding change: c.2102G>T on transcript NM_001378457.1 (MANE Select); coding-DNA position 2102, G replaced by T.
Protein change: p.Gly701Val; replaces glycine 701 with valine.
Molecular consequence: missense variant. On other transcripts: non-coding transcript variant (2).
Genome position (GRCh38, 1-based): chr15:51,536,378, C>A on the plus strand (G>T on the coding strand, the complement: DMXL2 is on the minus strand). VCF-style: chr15-51536378-C-A. GRCh37 (hg19) VCF-style: chr15-51828575-C-A.
Other names: c.2102G>T, p.Gly701Val (NM_001174116.3, NM_001174117.3, NM_001378458.1 and 6 more transcripts); c.1862G>T, p.Gly621Val (NM_001378464.1); short protein forms G701V, G621V.
Identifiers: ClinVar variation 1922789 (VCV001922789.3), dbSNP rs373506145, ClinGen allele CA270607599.

ClinVar aggregate classification (germline): Uncertain significance (1 of 4 stars; one submission).

Allele frequency attached by ClinVar (database versions not stated): ESP Exome Variant Server 0.00008.
gnomAD v4.1: 24 of 1,613,438 alleles (0.0015%); highest among the groups gnomAD compares: African/African-American, 0.027%; no homozygotes.

Submission:

Labcorp Genetics (formerly Invitae), Labcorp
Classification: Uncertain significance. Last evaluated: 2025-06-18. Review status: criteria provided, single submitter. Criteria: Invitae Variant Classification Sherloc (09022015). Collection method: clinical testing. Allele origin: germline.
Comment: This sequence change replaces glycine, which is neutral and non-polar, with valine, which is neutral and non-polar, at codon 701 of the DMXL2 protein (p.Gly701Val). This variant is present in population databases (rs373506145, gnomAD 0.03%). This variant has not been reported in the literature in individuals affected with DMXL2-related conditions. ClinVar contains an entry for this variant (Variation ID: 1922789). An algorithm developed to predict the effect of missense changes on protein structure and function outputs the following: PolyPhen-2: "Benign". The valine amino acid residue is found in multiple mammalian species, which suggests that this missense change does not adversely affect protein function. In summary, the available evidence is currently insufficient to determine the role of this variant in disease. Therefore, it has been classified as a Variant of Uncertain Significance.